The following is an entry in ClinVar:

ClinVar aggregate classification (germline): Pathogenic (1 of 4 stars; one submission).

Allele frequency attached by ClinVar (database versions not stated): gnomAD exomes below 0.00001.

Submission:

GeneDx
Classification: Pathogenic. Last evaluated: 2022-12-07. Review status: criteria provided, single submitter. Criteria: GeneDx Variant Classification Process June 2021. Collection method: clinical testing. Allele origin: germline. Affected: yes.
Comment: Frameshift variant predicted to result in protein truncation or nonsense mediated decay in a gene for which loss of function is a known mechanism of disease; Not observed at significant frequency in large population cohorts (gnomAD); This variant is associated with the following publications: (PMID: 33556167, 35343054)

NM_000552.5(VWF):c.5942dup (p.Gln1982fs)

Gene: VWF (von Willebrand factor; minus strand). Cytogenetic location: 12p13.31.
Variant type: Duplication.
Coding change: c.5942dup on transcript NM_000552.5 (MANE Select); coding-DNA position 5942, one base duplicated (A; older notation c.5942dupA).
Protein change: p.Gln1982fs; shifts the reading frame from glutamine 1982.
Molecular consequence: frameshift variant.
Genome position (GRCh38, 1-based): chr12:5,996,123, T duplicated on the plus strand (A on the coding strand, the reverse complement: VWF is on the minus strand). VCF-style (leftmost placement, unchanged base first): chr12-5996122-C-CT. GRCh37 (hg19) VCF-style: chr12-6105288-C-CT.
Other names: short protein forms Q1982fs.
Identifiers: ClinVar variation 2504790 (VCV002504790.1), dbSNP rs2497460931, ClinGen allele CA2580615120.